The following is an entry in ClinVar:

ClinVar aggregate classification (germline): Uncertain significance (1 of 4 stars; one submission).

Conditions:
Cardiovascular phenotype. Identifiers: MedGen CN230736.

Submission:

Ambry Genetics
Classification: Uncertain significance for Cardiovascular phenotype. Last evaluated: 2025-07-03. Review status: criteria provided, single submitter. Criteria: Ambry Variant Classification Scheme 2023. Collection method: clinical testing. Allele origin: germline.
Comment: The c.640-3C>G intronic variant results from a C to G substitution 3 nucleotides upstream from coding exon 7 in the TPM1 gene. This nucleotide position is well conserved in available vertebrate species. In silico splice site analysis predicts that this alteration will weaken the native splice acceptor site and will result in the creation or strengthening of a novel splice acceptor site. Based on the available evidence, the clinical significance of this variant remains unclear.

NM_001018005.2(TPM1):c.640-3C>G

Gene: TPM1 (tropomyosin 1; plus strand). Cytogenetic location: 15q22.2.
Variant type: single nucleotide variant.
Coding change: c.640-3C>G on transcript NM_001018005.2 (MANE Select); 3 bases into the intron before coding-DNA position 640, C replaced by G.
Molecular consequence: intron variant.
Genome position (GRCh38, 1-based): chr15:63,062,212, C>G. VCF-style: chr15-63062212-C-G. GRCh37 (hg19) VCF-style: chr15-63354411-C-G.
Other names: c.532-3C>G (NM_001330346.2, NM_001365780.1, NM_001407340.1 and 9 more transcripts); c.766-3C>G (NM_001365778.1, NM_001407323.1, NM_001407322.1 and 1 more transcripts); c.640-3C>G (NM_001407336.1, NM_001018020.2, NM_001407338.1 and 20 more transcripts).
Identifiers: ClinVar variation 4189482 (VCV004189482.1).
Genomic context (GRCh38, chr15:63,062,212, plus strand): 5'-CATGAGAAGCCATGAGTAGATTGAGCTGCAGCCTGACATCTGGAATGCTCTTTCTAATTA[C>G]AGTACTCGCAGAAGGAAGACAGATATGAGGAAGAGATCAAGGTCCTTTCCGACAAGCTGA-3'